The following is an entry in ClinVar:

ClinVar aggregate classification (germline): Uncertain significance (1 of 4 stars; one submission).

Submission:

Dasa
Classification: Uncertain significance. Last evaluated: 2025-07-29. Review status: criteria provided, single submitter. Criteria: DASA Assertion Criteria. Collection method: clinical testing. Allele origin: germline.
Comment: NM_001042492.3(NF1):c.2947C>G (p.Leu983Val) is a missense variant that results in the substitution of leucine with valine. This variant is absent from population databases. Computational prediction algorithms are consistent with a benign effect. The currently available literature and clinical evidence are not sufficient to establish a definitive association between this variant and the reported condition. Therefore, this variant is classified as a variant of uncertain significance.

NM_001042492.3(NF1):c.2947C>G (p.Leu983Val)

Gene: NF1 (neurofibromin 1; plus strand). Cytogenetic location: 17q11.2.
Variant type: single nucleotide variant.
Coding change: c.2947C>G on transcript NM_001042492.3 (MANE Select); coding-DNA position 2947, C replaced by G.
Protein change: p.Leu983Val; replaces leucine 983 with valine.
Molecular consequence: missense variant.
Genome position (GRCh38, 1-based): chr17:31,229,931, C>G. VCF-style: chr17-31229931-C-G. GRCh37 (hg19) VCF-style: chr17-29556949-C-G.
Other names: c.2947C>G, p.Leu983Val (NM_000267.4); short protein forms L983V.
Identifiers: ClinVar variation 4883474 (VCV004883474.2).